The following is an entry in ClinVar:

ClinVar aggregate classification (germline): Pathogenic/Likely pathogenic. Review status: criteria provided, multiple submitters, no conflicts (2 of 4 stars). 2 submissions from 2 submitters: Pathogenic (1); Likely pathogenic (1). Last evaluated 2024-09-13.

Conditions:
DICER1-related tumor predisposition. Also called: DICER1-related pleuropulmonary blastoma cancer predisposition syndrome; DICER1 syndrome. Identifiers: Orphanet 284343, MedGen C3839822, MONDO:0100216.
Hereditary cancer-predisposing syndrome. Also called: Hereditary neoplastic syndrome; Hereditary Cancer Syndrome; Neoplastic Syndromes, Hereditary; Tumor predisposition. Identifiers: Orphanet 140162, MedGen C0027672, MeSH D009386, MONDO:0015356.

Submissions (2):

Ambry Genetics
Classification: Likely pathogenic for Hereditary cancer-predisposing syndrome. Last evaluated: 2024-09-13. Review status: criteria provided, single submitter. Criteria: Ambry Variant Classification Scheme 2023. Collection method: clinical testing. Allele origin: germline.
Comment: The c.1907+1G>T intronic variant results from a G to T substitution one nucleotide after coding exon 10 of the DICER1 gene. This nucleotide position is highly conserved in available vertebrate species. In silico splice site analysis predicts that this alteration will weaken the native splice donor site and may result in the creation or strengthening of a novel splice donor site. Alterations that disrupt the canonical splice site are expected to cause aberrant splicing, resulting in an abnormal protein or a transcript that is subject to nonsense-mediated mRNA decay. As such, this alteration is classified as likely pathogenic.

Labcorp Genetics (formerly Invitae), Labcorp
Classification: Pathogenic for DICER1-related tumor predisposition. Last evaluated: 2023-10-04. Review status: criteria provided, single submitter. Criteria: Invitae Variant Classification Sherloc (09022015). Collection method: clinical testing. Allele origin: germline.
Comment: This sequence change affects a donor splice site in intron 11 of the DICER1 gene. It is expected to disrupt RNA splicing. Variants that disrupt the donor or acceptor splice site typically lead to a loss of protein function (PMID: 16199547), and loss-of-function variants in DICER1 are known to be pathogenic (PMID: 19556464, 21266384). This variant is not present in population databases (gnomAD no frequency). Disruption of this splice site has been observed in individual(s) with DICER1-related phenotypes (External communication). In at least one individual the variant was observed to be de novo. Algorithms developed to predict the effect of sequence changes on RNA splicing suggest that this variant may disrupt the consensus splice site. For these reasons, this variant has been classified as Pathogenic.

Literature cited by the submitters: PubMed 16199547 (cited by Labcorp Genetics (formerly Invitae), Labcorp); PubMed 19556464 (cited by Labcorp Genetics (formerly Invitae), Labcorp); PubMed 21266384 (cited by Labcorp Genetics (formerly Invitae), Labcorp).

NM_177438.3(DICER1):c.1907+1G>T

Gene: DICER1 (dicer 1, ribonuclease III; minus strand). Cytogenetic location: 14q32.13.
Variant type: single nucleotide variant.
Coding change: c.1907+1G>T on transcript NM_177438.3 (MANE Select); the canonical splice donor site of the intron after coding-DNA position 1907, G replaced by T.
Molecular consequence: splice donor variant.
Genome position (GRCh38, 1-based): chr14:95,115,666, C>A on the plus strand (G>T on the coding strand, the complement: DICER1 is on the minus strand). VCF-style: chr14-95115666-C-A. GRCh37 (hg19) VCF-style: chr14-95582003-C-A.
Other names: c.1907+1G>T (NM_001291628.2, NM_030621.4, NM_001395677.1 and 13 more transcripts); c.1502+1G>T (NM_001395690.1, NM_001395687.1, NM_001395689.1 and 3 more transcripts); c.1625+1G>T (NM_001395686.1); c.1340+1G>T (NM_001395691.1); c.224+1G>T (NM_001395697.1).
Identifiers: ClinVar variation 2764937 (VCV002764937.4), dbSNP rs1131691217, ClinGen allele CA390883874.